The following is an entry in ClinVar:

ClinVar aggregate classification (germline): Uncertain significance (1 of 4 stars; one submission).

Allele frequency attached by ClinVar (database versions not stated): ExAC 0.00001; gnomAD 0.00001.
gnomAD v4.1: 8 of 1,612,734 alleles (0.0005%); highest among the groups gnomAD compares: African/African-American, 0.0027%; no homozygotes.

Submission:

GeneDx
Classification: Uncertain significance. Last evaluated: 2022-06-30. Review status: criteria provided, single submitter. Criteria: GeneDx Variant Classification Process June 2021. Collection method: clinical testing. Allele origin: germline. Affected: yes.
Comment: Not observed at significant frequency in large population cohorts (gnomAD); In silico analysis supports that this missense variant does not alter protein structure/function; Has not been previously published as pathogenic or benign to our knowledge

NM_004817.4(TJP2):c.432C>G (p.Asp144Glu)

Gene: TJP2 (tight junction protein 2; plus strand). Cytogenetic location: 9q21.11.
Variant type: single nucleotide variant.
Coding change: c.432C>G on transcript NM_004817.4 (MANE Select); coding-DNA position 432, C replaced by G.
Protein change: p.Asp144Glu; replaces aspartic acid 144 with glutamic acid.
Molecular consequence: missense variant.
Genome position (GRCh38, 1-based): chr9:69,220,976, C>G. VCF-style: chr9-69220976-C-G. GRCh37 (hg19) VCF-style: chr9-71835892-C-G.
Other names: c.363C>G, p.Asp121Glu (NM_001170414.2, NM_001369870.1, NM_001369871.1); c.444C>G, p.Asp148Glu (NM_001170415.1, NM_001369874.1, NM_001369875.1); c.525C>G, p.Asp175Glu (NM_001170416.2); c.432C>G, p.Asp144Glu (NM_001369872.1, NM_001369873.1, NM_201629.3); short protein forms D121E, D144E, D148E, D175E.
Identifiers: ClinVar variation 1809950 (VCV001809950.1), dbSNP rs765961360, ClinGen allele CA5073010.
Genomic context (GRCh38, chr9:69,220,976, plus strand): 5'-GGCCGCACTTCAGGCCAGCCCTCCCCTGGATCAGGATGACCGGGCTTTTGAGGTGATGGA[C>G]GAGTTTGATGGCAGAAGTTTCCGGAGTGGCTACAGCGAGAGGAGCCGGCTGAACAGCCAT-3'
Protein context (NP_004808.2, residues 134-154): DQDDRAFEVM[Asp144Glu]EFDGRSFRSG